The following is an entry in ClinVar:

NM_000397.4(CYBB):c.58G>A (p.Gly20Arg)

Gene: CYBB (cytochrome b-245 beta chain; plus strand). Cytogenetic location: Xp21.1.
Variant type: single nucleotide variant.
Coding change: c.58G>A on transcript NM_000397.4 (MANE Select); coding-DNA position 58, G replaced by A.
Protein change: p.Gly20Arg; replaces glycine 20 with arginine.
Molecular consequence: missense variant.
Genome position (GRCh38, 1-based): chrX:37,782,100, G>A. VCF-style: chrX-37782100-G-A. GRCh37 (hg19) VCF-style: chrX-37641353-G-A.
Other names: short protein forms G20R.
Identifiers: ClinVar variation 861365 (VCV000861365.10), dbSNP rs151344455, ClinGen allele CA412972321.
Genomic context (GRCh38, chrX:37,782,100, plus strand): 5'-CTACTGTGGAAATGCGGAAACTTCATGCAATTATTTCTGTTTGTGCAGCTGGTTTGGCTG[G>A]GGTTGAACGTCTTCCTCTTTGTCTGGTATTACCGGGTTTATGATATTCCACCTAAGTTCT-3'
Protein context (NP_000388.2, residues 10-30): LSIFVILVWL[Gly20Arg]LNVFLFVWYY

ClinVar aggregate classification (germline): Pathogenic (1 of 4 stars; one submission).

Conditions:
Granulomatous disease, chronic, X-linked. Also called: CYTOCHROME b-NEGATIVE GRANULOMATOUS DISEASE, CHRONIC, X-LINKED; GRANULOMATOUS DISEASE, CHRONIC, X-LINKED, SOMATIC MOSAIC. Identifiers: Orphanet 379, MedGen C1844376, MONDO:0010600, OMIM 306400.

Allele frequency attached by ClinVar (database versions not stated): gnomAD exomes below 0.00001.
gnomAD v4.1: 1 of 1,208,928 alleles (0.000083%); highest among the groups gnomAD compares: Non-Finnish European, 0.00011%; no homozygotes.

Submission:

Labcorp Genetics (formerly Invitae), Labcorp
Classification: Pathogenic for Granulomatous disease, chronic, X-linked. Last evaluated: 2022-08-31. Review status: criteria provided, single submitter. Criteria: Invitae Variant Classification Sherloc (09022015). Collection method: clinical testing. Allele origin: germline.
Comment: ClinVar contains an entry for this variant (Variation ID: 861365). This sequence change replaces glycine, which is neutral and non-polar, with arginine, which is basic and polar, at codon 20 of the CYBB protein (p.Gly20Arg). This variant is not present in population databases (gnomAD no frequency). This missense change has been observed in individuals with X-linked chronic granulomatous disease (PMID: 9585602, 19410294, 20729109). Advanced modeling of protein sequence and biophysical properties (such as structural, functional, and spatial information, amino acid conservation, physicochemical variation, residue mobility, and thermodynamic stability) performed at Invitae indicates that this missense variant is expected to disrupt CYBB protein function. For these reasons, this variant has been classified as Pathogenic.

Literature cited by the submitters: PubMed 9585602; PubMed 19410294; PubMed 20729109.